The following is an entry in ClinVar:

ClinVar aggregate classification (germline): Conflicting classifications of pathogenicity. Review status: criteria provided, conflicting classifications (1 of 4 stars). 6 submissions from 6 submitters: Uncertain significance (5); Benign (1). Last evaluated 2025-11-25.

Conditions:
Lynch syndrome. Identifiers: Orphanet 144, MedGen C4552100, MONDO:0005835. Disease mechanism: loss of function.
Hereditary cancer-predisposing syndrome. Also called: Neoplastic Syndromes, Hereditary; Tumor predisposition; Hereditary Cancer Syndrome; Hereditary neoplastic syndrome. Identifiers: Orphanet 140162, MedGen C0027672, MeSH D009386, MONDO:0015356.
Hereditary nonpolyposis colorectal neoplasms. Identifiers: MedGen C0009405, MeSH D003123.

Allele frequency attached by ClinVar (database versions not stated): gnomAD exomes 0.00001.
gnomAD v4.1: 16 of 1,612,534 alleles (0.00099%); highest among the groups gnomAD compares: Non-Finnish European, 0.0013%; no homozygotes.

Submissions (6):

Color Diagnostics, LLC DBA Color Health
Classification: Uncertain significance for Hereditary cancer-predisposing syndrome. Last evaluated: 2025-11-25. Review status: criteria provided, single submitter. Criteria: ACMG Guidelines, 2015. Collection method: clinical testing. Allele origin: germline.
Comment: This missense variant replaces lysine with glutamic acid at codon 1352 of the MSH6 protein. Computational prediction suggests that this variant may not impact protein structure and function. To our knowledge, functional studies have not been reported for this variant. This variant has not been reported in individuals affected with MSH6-related disorders in the literature. This variant has been identified in 16/1612534 chromosomes in the general population by the Genome Aggregation Database (gnomAD). The available evidence is insufficient to determine the role of this variant in disease conclusively. Therefore, this variant is classified as a Variant of Uncertain Significance.

Labcorp Genetics (formerly Invitae), Labcorp
Classification: Benign for Hereditary nonpolyposis colorectal neoplasms. Last evaluated: 2025-11-04. Review status: criteria provided, single submitter. Criteria: Invitae Variant Classification Sherloc (09022015). Collection method: clinical testing. Allele origin: germline.

Ambry Genetics
Classification: Uncertain significance for Hereditary cancer-predisposing syndrome. Last evaluated: 2025-06-02. Review status: criteria provided, single submitter. Criteria: Ambry Variant Classification Scheme 2023. Collection method: clinical testing. Allele origin: germline.
Comment: The p.K1352E variant (also known as c.4054A>G), located in coding exon 10 of the MSH6 gene, results from an A to G substitution at nucleotide position 4054. The lysine at codon 1352 is replaced by glutamic acid, an amino acid with similar properties. This amino acid position is well conserved in available vertebrate species. In addition, the in silico prediction for this alteration is inconclusive. Since supporting evidence is limited at this time, the clinical significance of this alteration remains unclear.

All of Us Research Program, National Institutes of Health
Classification: Uncertain significance for Lynch syndrome. Last evaluated: 2023-06-26. Review status: criteria provided, single submitter. Criteria: ACMG Guidelines, 2015. Collection method: clinical testing. Allele origin: germline. Inheritance: Autosomal dominant inheritance. Observed: 1 variant allele, 1 heterozygote.
Comment: This missense variant replaces lysine with glutamic acid at codon 1352 of the MSH6 protein. Computational prediction suggests that this variant may not impact protein structure and function (internally defined REVEL score threshold <= 0.5, PMID: 27666373). To our knowledge, functional studies have not been reported for this variant. This variant has not been reported in individuals affected with MSH6-related disorders in the literature. This variant has not been identified in the general population by the Genome Aggregation Database (gnomAD). The available evidence is insufficient to determine the role of this variant in disease conclusively. Therefore, this variant is classified as a Variant of Uncertain Significance.

This study involves interpretation of variants in research participants for the purpose of population health screening. Participant phenotype was not available at the time of variant classification. Additional details can be found in publication PMID: 35346344, PMCID: PMC8962531

Quest Diagnostics Nichols Institute San Juan Capistrano
Classification: Uncertain significance. Last evaluated: 2023-06-22. Review status: criteria provided, single submitter. Criteria: Quest Diagnostics criteria. Collection method: clinical testing. Allele origin: unknown.
Comment: In a large-scale breast cancer association study, the variant was observed in an unaffected individual (PMID: 33471991 (2021), see also LOVD). This variant has not been reported in large, multi-ethnic general populations (Genome Aggregation Database). Analysis of this variant using bioinformatics tools for the prediction of the effect of amino acid changes on protein structure and function yielded predictions that this variant is benign. Based on the available information, we are unable to determine the clinical significance of this variant.

GeneDx
Classification: Uncertain significance. Last evaluated: 2023-06-01. Review status: criteria provided, single submitter. Criteria: GeneDx Variant Classification Process June 2021. Collection method: clinical testing. Allele origin: germline. Affected: yes.
Comment: Not observed at significant frequency in large population cohorts (gnomAD); In silico analysis supports that this missense variant does not alter protein structure/function; Has not been previously published as pathogenic or benign to our knowledge; This variant is associated with the following publications: (PMID: 17531815, 12019211, 21120944)

Literature cited by the submitters: PubMed 33471991 (cited by Quest Diagnostics Nichols Institute San Juan Capistrano).

NM_000179.3(MSH6):c.4054A>G (p.Lys1352Glu)

Gene: MSH6 (mutS homolog 6; plus strand). Cytogenetic location: 2p16.3.
Variant type: single nucleotide variant.
Coding change: c.4054A>G on transcript NM_000179.3 (MANE Select); coding-DNA position 4054, A replaced by G.
Protein change: p.Lys1352Glu; replaces lysine 1352 with glutamic acid.
Molecular consequence: missense variant.
Genome position (GRCh38, 1-based): chr2:47,806,831, A>G. VCF-style: chr2-47806831-A-G. GRCh37 (hg19) VCF-style: chr2-48033970-A-G.
Other names: c.3664A>G, p.Lys1222Glu (NM_001281492.2); c.3148A>G, p.Lys1050Glu (NM_001281493.2, NM_001281494.2); short protein forms K1352E, K1050E, K1222E.
Identifiers: ClinVar variation 483784 (VCV000483784.26), dbSNP rs587782309, ClinGen allele CA346761723.